The following is an entry in ClinVar:

NM_000027.4(AGA):c.965C>T (p.Thr322Ile)

Gene: AGA (aspartylglucosaminidase; minus strand). Cytogenetic location: 4q34.3.
Variant type: single nucleotide variant.
Coding change: c.965C>T on transcript NM_000027.4 (MANE Select); coding-DNA position 965, C replaced by T.
Protein change: p.Thr322Ile; replaces threonine 322 with isoleucine.
Molecular consequence: missense variant. On other transcripts: non-coding transcript variant (1).
Genome position (GRCh38, 1-based): chr4:177,431,784, G>A on the plus strand (C>T on the coding strand, the complement: AGA is on the minus strand). VCF-style: chr4-177431784-G-A. GRCh37 (hg19) VCF-style: chr4-178352938-G-A.
Other names: c.935C>T, p.Thr312Ile (NM_001171988.2); short protein forms T322I, T312I.
Identifiers: ClinVar variation 387711 (VCV000387711.48), dbSNP rs56849061, ClinGen allele CA3146732.

ClinVar aggregate classification (germline): Benign/Likely benign. Review status: criteria provided, multiple submitters, no conflicts (2 of 4 stars). 9 submissions from 9 submitters: Benign (2); Likely benign (6). 1 of the submissions does not count toward it. Last evaluated 2026-02-04.

Conditions:
Aspartylglucosaminuria (AGU). Also called: Aspartylglucos-aminuria; Aspartylglucos-amidase (AGA) deficiency; AGA DEFICIENCY; GLYCOASPARAGINASE; GLYCOSYLASPARAGINASE DEFICIENCY. Identifiers: Orphanet 93, MedGen C0268225, MONDO:0008830, OMIM 208400, HP:0012068.
Inborn genetic diseases. Identifiers: MedGen C0950123, MeSH D030342.

Allele frequency attached by ClinVar (database versions not stated): gnomAD exomes 0.00030 and 0.00084; ExAC 0.00106; 1000 Genomes Project 0.00339; gnomAD 0.00389 and 0.00414; 1000 Genomes Project 30x 0.00390; TOPMed 0.00426; ESP Exome Variant Server 0.00477.

Submissions (9):

Labcorp Genetics (formerly Invitae), Labcorp
Classification: Benign for Aspartylglucosaminuria. Last evaluated: 2026-02-04. Review status: criteria provided, single submitter. Criteria: Invitae Variant Classification Sherloc (09022015). Collection method: clinical testing. Allele origin: germline.

Blueprint Genetics
Classification: Likely benign. Last evaluated: 2024-11-13. Review status: criteria provided, single submitter. Criteria: ACMG Guidelines, 2015. Collection method: clinical testing. Allele origin: germline.

CeGaT Center for Human Genetics Tuebingen
Classification: Benign. Last evaluated: 2023-05-01. Review status: criteria provided, single submitter. Criteria: CeGaT Center For Human Genetics Tuebingen Variant Classification Criteria Version 2. Collection method: clinical testing. Allele origin: germline. Affected: yes. Observed: 1 variant allele.
Comment: AGA: BP4, BS1, BS2

Ambry Genetics
Classification: Likely benign for Inborn genetic diseases. Last evaluated: 2022-10-17. Review status: criteria provided, single submitter. Criteria: Ambry Variant Classification Scheme 2023. Collection method: clinical testing. Allele origin: germline.

Fulgent Genetics
Classification: Likely benign for Aspartylglucosaminuria. Last evaluated: 2021-07-01. Review status: criteria provided, single submitter. Criteria: ACMG Guidelines, 2015. Collection method: clinical testing. Allele origin: unknown.

Illumina Laboratory Services, Illumina
Classification: Likely benign for Aspartylglucosaminuria. Last evaluated: 2018-01-12. Review status: criteria provided, single submitter. Criteria: ICSL Variant Classification Criteria 13 December 2019. Collection method: clinical testing. Allele origin: germline.
Comment: This variant was observed in the ICSL laboratory as part of a predisposition screen in an ostensibly healthy population. It had not been previously curated by ICSL or reported in the Human Gene Mutation Database (HGMD: prior to June 1st, 2018), and was therefore a candidate for classification through an automated scoring system. Utilizing variant allele frequency, disease prevalence and penetrance estimates, and inheritance mode, an automated score was calculated to assess if this variant is too frequent to cause the disease. Based on the score and internal cut-off values, a variant classified as likely benign is not then subjected to further curation. The score for this variant resulted in a classification of likely benign for this disease.

GeneDx
Classification: Likely benign. Last evaluated: 2016-07-25. Review status: criteria provided, single submitter. Criteria: GeneDx Variant Classification (06012015). Collection method: clinical testing. Allele origin: germline. Affected: yes.
Comment: This variant is considered likely benign or benign based on one or more of the following criteria: it is a conservative change, it occurs at a poorly conserved position in the protein, it is predicted to be benign by multiple in silico algorithms, and/or has population frequency not consistent with disease.

Breakthrough Genomics
Classification: Likely benign. Review status: criteria provided, single submitter. Criteria: ACMG Guidelines, 2015. Collection method: not provided. Allele origin: germline. Inheritance: Autosomal recessive inheritance. Affected: yes.

Natera, Inc.
Classification: Benign for Aspartylglucosaminuria. Last evaluated: 2019-12-12. Review status: no assertion criteria provided. Collection method: clinical testing. Allele origin: germline. Not counted in ClinVar's aggregate classification.